The following is an entry in ClinVar:

NM_001256789.3(CACNA1F):c.2734A>G (p.Met912Val)

Gene: CACNA1F (calcium voltage-gated channel subunit alpha1 F; minus strand). Cytogenetic location: Xp11.23.
Variant type: single nucleotide variant.
Coding change: c.2734A>G on transcript NM_001256789.3 (MANE Select); coding-DNA position 2734, A replaced by G.
Protein change: p.Met912Val; replaces methionine 912 with valine.
Molecular consequence: missense variant.
Genome position (GRCh38, 1-based): chrX:49,218,735, T>C on the plus strand (A>G on the coding strand, the complement: CACNA1F is on the minus strand). VCF-style: chrX-49218735-T-C. GRCh37 (hg19) VCF-style: chrX-49075194-T-C.
Other names: c.2572A>G, p.Met858Val (NM_001256790.3); c.2767A>G, p.Met923Val (NM_005183.4); short protein forms M858V, M912V, M923V.
Identifiers: ClinVar variation 1006649 (VCV001006649.8), dbSNP rs373293945, ClinGen allele CA10410602.
Genomic context (GRCh38, chrX:49,218,735, plus strand): 5'-ACATATTAAACCAGCTACGGCAGAAGGAGCCGCGGTGCAGGAAGGCCCCAAACACTGTCA[T>C]CTGGGGACAGGACAAGAGGCTAGACTCAGACCTGGGGATGGTGGGGGTTGGGGGAGGTGG-3'
Protein context (NP_001243718.1, residues 902-922): SIFTVEILLK[Met912Val]TVFGAFLHRG

ClinVar aggregate classification (germline): Uncertain significance (1 of 4 stars; one submission).

Allele frequency attached by ClinVar (database versions not stated): gnomAD exomes below 0.00001; gnomAD 0.00001; ExAC 0.00004; TOPMed 0.00004; ESP Exome Variant Server 0.00009.
gnomAD v4.1: 2 of 1,061,379 alleles (0.00019%); highest among the groups gnomAD compares: Non-Finnish European, 0.00025%; no homozygotes.

Submission:

Labcorp Genetics (formerly Invitae), Labcorp
Classification: Uncertain significance. Last evaluated: 2022-05-27. Review status: criteria provided, single submitter. Criteria: Invitae Variant Classification Sherloc (09022015). Collection method: clinical testing. Allele origin: germline.
Comment: This sequence change replaces methionine, which is neutral and non-polar, with valine, which is neutral and non-polar, at codon 923 of the CACNA1F protein (p.Met923Val). The frequency data for this variant in the population databases is considered unreliable, as metrics indicate poor data quality at this position in the gnomAD database. This variant has not been reported in the literature in individuals affected with CACNA1F-related conditions. ClinVar contains an entry for this variant (Variation ID: 1006649). Algorithms developed to predict the effect of missense changes on protein structure and function (SIFT, PolyPhen-2, Align-GVGD) all suggest that this variant is likely to be tolerated. Algorithms developed to predict the effect of sequence changes on RNA splicing suggest that this variant may create or strengthen a splice site. In summary, the available evidence is currently insufficient to determine the role of this variant in disease. Therefore, it has been classified as a Variant of Uncertain Significance.